The following is an entry in ClinVar:

NM_001377540.1(SLMAP):c.917A>G (p.Lys306Arg)

Gene: SLMAP (sarcolemma associated protein; plus strand). Cytogenetic location: 3p14.3.
Variant type: single nucleotide variant.
Coding change: c.917A>G on transcript NM_001377540.1 (MANE Select); coding-DNA position 917, A replaced by G.
Protein change: p.Lys306Arg; replaces lysine 306 with arginine.
Molecular consequence: missense variant. On other transcripts: non-coding transcript variant (1).
Genome position (GRCh38, 1-based): chr3:57,862,037, A>G. VCF-style: chr3-57862037-A-G. GRCh37 (hg19) VCF-style: chr3-57847764-A-G.
Other names: c.917A>G, p.Lys306Arg (NM_001304420.3, NM_001304421.2, NM_001377538.1 and 17 more transcripts); short protein forms K306R.
Identifiers: ClinVar variation 3445701 (VCV003445701.1).

ClinVar aggregate classification (germline): Uncertain significance (1 of 4 stars; one submission).

gnomAD v4.1: 11 of 1,596,150 alleles (0.00069%); highest among the groups gnomAD compares: Non-Finnish European, 0.00086%; no homozygotes.

Submission:

Ambry Genetics
Classification: Uncertain significance. Last evaluated: 2024-08-19. Review status: criteria provided, single submitter. Criteria: Ambry Variant Classification Scheme 2023. Collection method: clinical testing. Allele origin: germline.
Comment: The p.K306R variant (also known as c.917A>G), located in coding exon 9 of the SLMAP gene, results from an A to G substitution at nucleotide position 917. The lysine at codon 306 is replaced by arginine, an amino acid with highly similar properties. This amino acid position is conserved. In addition, this alteration is predicted to be tolerated by in silico analysis. Based on the available evidence, the clinical significance of this variant remains unclear.